The following is an entry in ClinVar:

NM_138694.4(PKHD1):c.8476C>T (p.Leu2826Phe)

Gene: PKHD1 (PKHD1 ciliary IPT domain containing fibrocystin/polyductin; minus strand). Cytogenetic location: 6p12.3.
Variant type: single nucleotide variant.
Coding change: c.8476C>T on transcript NM_138694.4 (MANE Select); coding-DNA position 8476, C replaced by T.
Protein change: p.Leu2826Phe; replaces leucine 2826 with phenylalanine.
Molecular consequence: missense variant.
Genome position (GRCh38, 1-based): chr6:51,775,886, G>A on the plus strand (C>T on the coding strand, the complement: PKHD1 is on the minus strand). VCF-style: chr6-51775886-G-A. GRCh37 (hg19) VCF-style: chr6-51640684-G-A.
Other names: c.8476C>T, p.Leu2826Phe (NM_170724.3); short protein forms L2826F.
Identifiers: ClinVar variation 3061302 (VCV003061302.2), dbSNP rs2534339416, ClinGen allele CA364438268.
Genomic context (GRCh38, chr6:51,775,886, plus strand): 5'-TATGAATTCCATTCATACGGTCACAAAAGACTCCCTCTGAGGCTCTAAGGAGAATCAGAA[G>A]CTTTTGTTCCTTTTCTAAGGGATTTTCTAAAGTACCTGTTTACAAAGAAAAGTATATCAT-3'
Protein context (NP_619639.3, residues 2816-2836): LENPLEKEQK[Leu2826Phe]LILLRASEGV

ClinVar aggregate classification (germline): Uncertain significance (0 of 4 stars; one submission).

Conditions:
PKHD1-related disorder. Also called: PKHD1-related condition.

Allele frequency attached by ClinVar (database versions not stated): gnomAD exomes below 0.00001.
gnomAD v4.1: 1 of 1,595,304 alleles (0.000063%); no homozygotes.

Submission:

PreventionGenetics, part of Exact Sciences
Classification: Uncertain significance for PKHD1-related condition. Last evaluated: 2024-01-25. Review status: no assertion criteria provided. Collection method: clinical testing. Allele origin: germline.
Comment: The PKHD1 c.8476C>T variant is predicted to result in the amino acid substitution p.Leu2826Phe. To our knowledge, this variant has not been reported in the literature or in a large population database, indicating this variant is rare. At this time, the clinical significance of this variant is uncertain due to the absence of conclusive functional and genetic evidence.